The following is an entry in ClinVar:

ClinVar aggregate classification (germline): Uncertain significance (1 of 4 stars; one submission).

Submission:

Labcorp Genetics (formerly Invitae), Labcorp
Classification: Uncertain significance. Last evaluated: 2023-11-27. Review status: criteria provided, single submitter. Criteria: Invitae Variant Classification Sherloc (09022015). Collection method: clinical testing. Allele origin: germline.
Comment: This sequence change replaces alanine, which is neutral and non-polar, with valine, which is neutral and non-polar, at codon 102 of the RGS9BP protein (p.Ala102Val). This variant is not present in population databases (gnomAD no frequency). This variant has not been reported in the literature in individuals affected with RGS9BP-related conditions. ClinVar contains an entry for this variant (Variation ID: 1059041). An algorithm developed to predict the effect of missense changes on protein structure and function (PolyPhen-2) suggests that this variant is likely to be tolerated. In summary, the available evidence is currently insufficient to determine the role of this variant in disease. Therefore, it has been classified as a Variant of Uncertain Significance.

NM_207391.3(RGS9BP):c.305C>T (p.Ala102Val)

Gene: RGS9BP (regulator of G protein signaling 9 binding protein; plus strand). Cytogenetic location: 19q13.11.
Variant type: single nucleotide variant.
Coding change: c.305C>T on transcript NM_207391.3 (MANE Select); coding-DNA position 305, C replaced by T.
Protein change: p.Ala102Val; replaces alanine 102 with valine.
Molecular consequence: missense variant.
Genome position (GRCh38, 1-based): chr19:32,676,568, C>T. VCF-style: chr19-32676568-C-T. GRCh37 (hg19) VCF-style: chr19-33167474-C-T.
Other names: short protein forms A102V.
Identifiers: ClinVar variation 1059041 (VCV001059041.9), dbSNP rs1326574606, ClinGen allele CA405186381.